The following is an entry in ClinVar:

ClinVar aggregate classification (germline): Conflicting classifications of pathogenicity. Review status: criteria provided, conflicting classifications (1 of 4 stars). 4 submissions from 4 submitters: Likely pathogenic (1); Uncertain significance (2). 1 of the submissions does not count toward it. Last evaluated 2023-12-05.

Conditions:
MC4R-related disorder. Also called: MC4R-related condition.
Early onset severe obesity. Identifiers: MedGen C4013980.

Allele frequency attached by ClinVar (database versions not stated): ExAC 0.00001; gnomAD 0.00004; TOPMed 0.00005; gnomAD exomes 0.00007; ESP Exome Variant Server 0.00015; 1000 Genomes Project 30x 0.00016; 1000 Genomes Project 0.00020.
gnomAD v4.1: 106 of 1,614,194 alleles (0.0066%); highest among the groups gnomAD compares: Non-Finnish European, 0.0085%; 1 homozygote.

Submissions (4):

Cambridge Genomics Laboratory, East Genomic Laboratory Hub, NHS Genomic Medicine Service
Classification: Likely pathogenic for Severe early-onset obesity. Last evaluated: 2023-12-05. Review status: criteria provided, single submitter. Criteria: ACGS Best Practice Guidelines for Variant Classification in Rare Disease 2020. Collection method: clinical testing. Allele origin: germline. Affected: yes.
Comment: The p.Ile137Thr variant is observed in 5/113.738 (0.0044%) alleles from individuals of gnomAD Non Finnish European background in gnomAD All. The p.Ile137Thr variant is observed in 6/68.040 (0.0088%) alleles from individuals of gnomAD Genomes v3 Non Finnish European background in gnomAD Genomes v3 All. (PM2 - Moderate) | Functional studies demonstrate that this variant has a damaging effect on the gene or gene product (PS3 - Strong) | The variant cosegregates with the disease in multiple affected family members. (PP1 - Supporting)

Labcorp Genetics (formerly Invitae), Labcorp
Classification: Uncertain significance. Last evaluated: 2023-10-05. Review status: criteria provided, single submitter. Criteria: Invitae Variant Classification Sherloc (09022015). Collection method: clinical testing. Allele origin: germline.
Comment: This sequence change replaces isoleucine, which is neutral and non-polar, with threonine, which is neutral and polar, at codon 137 of the MC4R protein (p.Ile137Thr). This variant is present in population databases (rs151102515, gnomAD 0.005%). This missense change has been observed in individual(s) with obsesity (PMID: 10078568, 24705671). ClinVar contains an entry for this variant (Variation ID: 1712021). Advanced modeling of protein sequence and biophysical properties (such as structural, functional, and spatial information, amino acid conservation, physicochemical variation, residue mobility, and thermodynamic stability) performed at Invitae indicates that this missense variant is not expected to disrupt MC4R protein function. Experimental studies have shown that this missense change affects MC4R function (PMID: 12690102, 16752916, 34045736). In summary, the available evidence is currently insufficient to determine the role of this variant in disease. Therefore, it has been classified as a Variant of Uncertain Significance.

GeneDx
Classification: Uncertain significance. Last evaluated: 2023-03-06. Review status: criteria provided, single submitter. Criteria: GeneDx Variant Classification Process June 2021. Collection method: clinical testing. Allele origin: germline. Affected: yes.
Comment: Reported in association with obesity (Gu et al., 1999; Njenhuis et al., 2003); however, detailed clinical information was not provided; In silico analysis supports that this missense variant has a deleterious effect on protein structure/function; This variant is associated with the following publications: (PMID: 12604699, 22817722, 16752916, 10078568, 17628007, 10903343, 12690102, 24705671, 34045736)

PreventionGenetics, part of Exact Sciences
Classification: Uncertain significance for MC4R-related condition. Last evaluated: 2024-08-19. Review status: no assertion criteria provided. Collection method: clinical testing. Allele origin: germline. Not counted in ClinVar's aggregate classification.
Comment: The MC4R c.410T>C variant is predicted to result in the amino acid substitution p.Ile137Thr. This variant has been reported in individuals with obesity and leads to impaired ligand binding and signaling in functional assays (Gu et al. 1999. PubMed ID: 10078568; Moore et al. 2014. PubMed ID: 24705671). This variant was also reported to have poor surface expression (Nijenhuis et al. 2003. PubMed ID: 12690102), although conflicting data has been presented (Moore et al. 2014. PubMed ID: 24705671). A statistically significant association when testing additional family members was not met in one of these studies (Gu et al. 1999. PubMed ID: 10078568). This variant is reported in 0.0054% of alleles in individuals of European (Non-Finnish) descent in gnomAD. Although we suspect that this variant may be pathogenic, at this time, the clinical significance of this variant is uncertain due to the absence of conclusive functional and genetic evidence.

Literature cited by the submitters: PubMed 10078568 (cited by Labcorp Genetics (formerly Invitae), Labcorp); PubMed 24705671 (cited by Labcorp Genetics (formerly Invitae), Labcorp); PubMed 12690102 (cited by Labcorp Genetics (formerly Invitae), Labcorp); PubMed 16752916 (cited by Labcorp Genetics (formerly Invitae), Labcorp); PubMed 34045736 (cited by Labcorp Genetics (formerly Invitae), Labcorp).

NM_005912.3(MC4R):c.410T>C (p.Ile137Thr)

Gene: MC4R (melanocortin 4 receptor; minus strand). Cytogenetic location: 18q21.32.
Variant type: single nucleotide variant.
Coding change: c.410T>C on transcript NM_005912.3 (MANE Select); coding-DNA position 410, T replaced by C.
Protein change: p.Ile137Thr; replaces isoleucine 137 with threonine.
Molecular consequence: missense variant.
Genome position (GRCh38, 1-based): chr18:60,371,940, A>G on the plus strand (T>C on the coding strand, the complement: MC4R is on the minus strand). VCF-style: chr18-60371940-A-G. GRCh37 (hg19) VCF-style: chr18-58039173-A-G.
Other names: short protein forms I137T.
Identifiers: ClinVar variation 1712021 (VCV001712021.9), dbSNP rs151102515, ClinGen allele CA8980929.
Genomic context (GRCh38, chr18:60,371,940, plus strand): 5'-TACTGGAGAGCATAGAAGATAGTAAAGTACCTGTCCACTGCAATTGAAAGCAGGCTGCAA[A>G]TGGATGCAAGCAAGGAGCTACAGATCACCGAGTCAATGACATTATCAATATTCACTGTGA-3'
Protein context (NP_005903.2, residues 127-147): SVICSSLLAS[Ile137Thr]CSLLSIAVDR